The following is an entry in ClinVar:

NM_001277115.2(DNAH11):c.7343C>A (p.Thr2448Lys)

Gene: DNAH11 (dynein axonemal heavy chain 11; plus strand). Cytogenetic location: 7p15.3.
Variant type: single nucleotide variant.
Coding change: c.7343C>A on transcript NM_001277115.2 (MANE Select); coding-DNA position 7343, C replaced by A.
Protein change: p.Thr2448Lys; replaces threonine 2448 with lysine.
Molecular consequence: missense variant.
Genome position (GRCh38, 1-based): chr7:21,725,887, C>A. VCF-style: chr7-21725887-C-A. GRCh37 (hg19) VCF-style: chr7-21765505-C-A.
Other names: c.7364C>A, p.Thr2455Lys (NM_003777.3); short protein forms T2455K, T2448K.
Identifiers: ClinVar variation 2191255 (VCV002191255.1), dbSNP rs1193879875, ClinGen allele CA366945629.

ClinVar aggregate classification (germline): Uncertain significance (1 of 4 stars; one submission).

Conditions:
Primary ciliary dyskinesia. Also called: Ciliary dyskinesia. Identifiers: Orphanet 244, MedGen C0008780, MONDO:0016575, HP:0012265.

gnomAD v4.1: 2 of 1,605,930 alleles (0.00012%); highest among the groups gnomAD compares: Non-Finnish European, 0.00017%; no homozygotes.

Submission:

Labcorp Genetics (formerly Invitae), Labcorp
Classification: Uncertain significance for Primary ciliary dyskinesia. Last evaluated: 2022-04-29. Review status: criteria provided, single submitter. Criteria: Invitae Variant Classification Sherloc (09022015). Collection method: clinical testing. Allele origin: germline.
Comment: This sequence change replaces threonine, which is neutral and polar, with lysine, which is basic and polar, at codon 2448 of the DNAH11 protein (p.Thr2448Lys). This variant is not present in population databases (gnomAD no frequency). This variant has not been reported in the literature in individuals affected with DNAH11-related conditions. Advanced modeling of protein sequence and biophysical properties (such as structural, functional, and spatial information, amino acid conservation, physicochemical variation, residue mobility, and thermodynamic stability) performed at Invitae indicates that this missense variant is not expected to disrupt DNAH11 protein function. In summary, the available evidence is currently insufficient to determine the role of this variant in disease. Therefore, it has been classified as a Variant of Uncertain Significance.